The following is an entry in ClinVar:

NM_003573.2(LTBP4):c.75+1G>T

Gene: LTBP4 (latent transforming growth factor beta binding protein 4; plus strand). Cytogenetic location: 19q13.2.
Variant type: single nucleotide variant.
Coding change: c.75+1G>T on transcript NM_003573.2; the canonical splice donor site of the intron after coding-DNA position 75, G replaced by T.
Molecular consequence: splice donor variant.
Genome position (GRCh38, 1-based): chr19:40,599,256, G>T. VCF-style: chr19-40599256-G-T. GRCh37 (hg19) VCF-style: chr19-41105162-G-T.
Other names: c.205+1G>T (NM_001042544.1).
Identifiers: ClinVar variation 4767265 (VCV004767265.1).

ClinVar aggregate classification (germline): Likely pathogenic (1 of 4 stars; one submission).

gnomAD v4.1: 2 of 1,613,822 alleles (0.00012%); highest among the groups gnomAD compares: Non-Finnish European, 0.00017%; no homozygotes.

Submission:

Labcorp Genetics (formerly Invitae), Labcorp
Classification: Likely pathogenic. Last evaluated: 2025-12-14. Review status: criteria provided, single submitter. Criteria: Invitae Variant Classification Sherloc (09022015). Collection method: clinical testing. Allele origin: germline.
Comment: This sequence change affects a donor splice site in intron 2 of the LTBP4 gene. It is expected to disrupt RNA splicing. Variants that disrupt the donor or acceptor splice site typically lead to a loss of protein function (PMID: 16199547), and loss-of-function variants in LTBP4 are known to be pathogenic (PMID: 19836010, 22829427). This variant is not present in population databases (gnomAD no frequency). This variant has not been reported in the literature in individuals affected with LTBP4-related conditions. Algorithms developed to predict the effect of sequence changes on RNA splicing suggest that this variant may disrupt the consensus splice site. In summary, the currently available evidence indicates that the variant is pathogenic, but additional data are needed to prove that conclusively. Therefore, this variant has been classified as Likely Pathogenic.

Literature cited by the submitters: PubMed 16199547; PubMed 19836010; PubMed 22829427.